The following is an entry in ClinVar:

NM_014874.4(MFN2):c.2176T>C (p.Ser726Pro)

Gene: MFN2 (mitofusin 2; plus strand). Cytogenetic location: 1p36.22.
Variant type: single nucleotide variant.
Coding change: c.2176T>C on transcript NM_014874.4 (MANE Select); coding-DNA position 2176, T replaced by C.
Protein change: p.Ser726Pro; replaces serine 726 with proline.
Molecular consequence: missense variant.
Genome position (GRCh38, 1-based): chr1:12,009,698, T>C. VCF-style: chr1-12009698-T-C. GRCh37 (hg19) VCF-style: chr1-12069755-T-C.
Other names: c.2176T>C, p.Ser726Pro (NM_001127660.2); short protein forms S726P.
Identifiers: ClinVar variation 3896912 (VCV003896912.1).
Genomic context (GRCh38, chr1:12,009,698, plus strand): 5'-ACCCGGGAGAACCTGGAGCAGGAAATTGCCGCCATGAACAAGAAAATTGAGGTTCTTGAC[T>C]CACTTCAGAGCAAAGCAAAGCTGCTCAGGTGAGGCTGGCCCGTGTGGCCAAAGGTTAGGG-3'
Protein context (NP_055689.1, residues 716-736): AMNKKIEVLD[Ser726Pro]LQSKAKLLRN

ClinVar aggregate classification (germline): Uncertain significance (1 of 4 stars; one submission).

Conditions:
Charcot-Marie-Tooth disease type 2A2. Also called: CHARCOT-MARIE-TOOTH DISEASE, AXONAL, TYPE 2A2; CHARCOT-MARIE-TOOTH DISEASE, NEURONAL, TYPE 2A2; HEREDITARY MOTOR AND SENSORY NEUROPATHY IIA2; HMSN IIA2; Charcot-Marie-Tooth Neuropathy Type 2A2; CHARCOT-MARIE-TOOTH DISEASE, AXONAL, AUTOSOMAL DOMINANT, TYPE 2A2A. Identifiers: Orphanet 99947, MedGen C4721887, MONDO:0012231, OMIM 609260.
Neuropathy, hereditary motor and sensory, type 6A (HMSN6A). Also called: NEUROPATHY, HEREDITARY MOTOR AND SENSORY, TYPE VIA; HMSN VIA; CHARCOT-MARIE-TOOTH DISEASE, TYPE 6A; NEUROPATHY, HEREDITARY MOTOR AND SENSORY, TYPE VIA, WITH OPTIC ATROPHY. Identifiers: MedGen CN305336, MONDO:0011002, OMIM 601152.
Charcot-Marie-Tooth disease, axonal, autosomal recessive, type 2a2b;. Also called: Charcot-Marie-Tooth disease, axonal, autosomal recessive, type 2A2B; Charcot-Marie-Tooth disease, axonal, type 2A2B. Identifiers: MedGen C4310725, MONDO:0014906, OMIM 617087.

Submission:

Kariminejad - Najmabadi Pathology & Genetics Center
Classification: Uncertain significance for Charcot-Marie-Tooth disease type 2A2; Charcot-Marie-Tooth disease, axonal, autosomal recessive, type 2a2b;; Neuropathy, hereditary motor and sensory, type 6A. Last evaluated: 2022-05-02. Review status: criteria provided, single submitter. Criteria: ACMG Guidelines, 2015. Collection method: clinical testing. Allele origin: germline. Inheritance: Autosomal recessive inheritance. Affected: yes.
Comment: PM1,PM2,PP3?